The following is an entry in ClinVar:

NM_201384.3(PLEC):c.7672C>T (p.Arg2558Trp)

Gene: PLEC (plectin; minus strand). Cytogenetic location: 8q24.3.
Variant type: single nucleotide variant.
Coding change: c.7672C>T on transcript NM_201384.3 (MANE Select); coding-DNA position 7672, C replaced by T.
Protein change: p.Arg2558Trp; replaces arginine 2558 with tryptophan.
Molecular consequence: missense variant.
Genome position (GRCh38, 1-based): chr8:143,922,149, G>A on the plus strand (C>T on the coding strand, the complement: PLEC is on the minus strand). VCF-style: chr8-143922149-G-A. GRCh37 (hg19) VCF-style: chr8-144996317-G-A.
Other names: c.7753C>T, p.Arg2585Trp (NM_000445.5); c.7630C>T, p.Arg2544Trp (NM_201378.4); c.7606C>T, p.Arg2536Trp (NM_201379.3); c.8083C>T, p.Arg2695Trp (NM_201380.4); c.7576C>T, p.Arg2526Trp (NM_201381.3); c.7672C>T, p.Arg2558Trp (NM_201382.4); c.7684C>T, p.Arg2562Trp (NM_201383.3); short protein forms R2526W, R2536W, R2544W, R2558W, R2562W, R2585W, R2695W.
Identifiers: ClinVar variation 432273 (VCV000432273.8), dbSNP rs961518883, ClinGen allele CA187612760.
Genomic context (GRCh38, chr8:143,922,149, plus strand): 5'-GCTCCAGCTGCTGCAGCTCCTCCTGCTTGCGCCGCACGCCCTCCTCGGCCTCATGCTGCC[G>A]CCGCCGCGCCTCCTCCATGCTGGCCACCAGCCGCTGCCGTTCCTGCTCCATCTGCTGCTG-3'
Protein context (NP_958786.1, residues 2548-2568): LVASMEEARR[Arg2558Trp]QHEAEEGVRR

ClinVar aggregate classification (germline): Uncertain significance. Review status: criteria provided, multiple submitters, no conflicts (2 of 4 stars). 3 submissions from 3 submitters: Uncertain significance (3). Last evaluated 2025-08-18.

Conditions:
Epidermolysis bullosa simplex with nail dystrophy (EBS5D). Identifiers: MedGen C4225309, MONDO:0014661, OMIM 616487.
Autosomal recessive limb-girdle muscular dystrophy type 2Q (LGMDR17). Also called: MUSCULAR DYSTROPHY, LIMB-GIRDLE, AUTOSOMAL RECESSIVE 17. Identifiers: Orphanet 254361, MedGen C3150989, MONDO:0013390, OMIM 613723.
Epidermolysis bullosa simplex 5B, with muscular dystrophy (EBS5B). Also called: EPIDERMOLYSIS BULLOSA SIMPLEX AND LIMB-GIRDLE MUSCULAR DYSTROPHY; Epidermolysis bullosa simplex with muscular dystrophy. Identifiers: Orphanet 257, MedGen C2931072, MONDO:0009181, OMIM 226670.
Epidermolysis bullosa simplex, Ogna type (EBS5A). Also called: Pidermolysis bullosa simplex 5A, Ogna type; EPIDERMOLYSIS BULLOSA SIMPLEX 5A, OGNA TYPE. Identifiers: Orphanet 79401, MedGen C0432317, MONDO:0007555, OMIM 131950.
Epidermolysis bullosa simplex 5C, with pyloric atresia (EBS5C). Also called: PLEC-Related Epidermolysis Bullosa with Pyloric Atresia; PLEC1-Related Epidermolysis Bullosa with Pyloric Atresia; Epidermolysis bullosa simplex with pyloric atresia. Identifiers: Orphanet 158684, MedGen C2677349, MONDO:0012807, OMIM 612138.

Allele frequency attached by ClinVar (database versions not stated): gnomAD exomes 0.00004 and 0.00003; TOPMed 0.00005; gnomAD 0.00006.
gnomAD v4.1: 59 of 1,539,354 alleles (0.0038%); highest among the groups gnomAD compares: African/African-American, 0.0055%; no homozygotes.

Submissions (3):

Labcorp Genetics (formerly Invitae), Labcorp
Classification: Uncertain significance for Autosomal recessive limb-girdle muscular dystrophy type 2Q; Epidermolysis bullosa simplex, Ogna type; Epidermolysis bullosa simplex with nail dystrophy; Epidermolysis bullosa simplex 5C, with pyloric atresia; Epidermolysis bullosa simplex 5B, with muscular dystrophy. Last evaluated: 2025-08-18. Review status: criteria provided, single submitter. Criteria: Invitae Variant Classification Sherloc (09022015). Collection method: clinical testing. Allele origin: germline.
Comment: This sequence change replaces arginine, which is basic and polar, with tryptophan, which is neutral and slightly polar, at codon 2585 of the PLEC protein (p.Arg2585Trp). This variant is present in population databases (no rsID available, gnomAD 0.01%). This variant has not been reported in the literature in individuals affected with PLEC-related conditions. ClinVar contains an entry for this variant (Variation ID: 432273). Invitae Evidence Modeling of protein sequence and biophysical properties (such as structural, functional, and spatial information, amino acid conservation, physicochemical variation, residue mobility, and thermodynamic stability) has been performed for this missense variant. However, the output from this modeling did not meet the statistical confidence thresholds required to predict the impact of this variant on PLEC protein function. In summary, the available evidence is currently insufficient to determine the role of this variant in disease. Therefore, it has been classified as a Variant of Uncertain Significance.

Athena Diagnostics
Classification: Uncertain significance. Last evaluated: 2023-01-04. Review status: criteria provided, single submitter. Criteria: Athena Diagnostics Criteria. Collection method: clinical testing. Allele origin: unknown.
Comment: Available data are insufficient to determine the clinical significance of the variant at this time. The frequency of this variant in the general population is uninformative in assessment of its pathogenicity. Computational tools predict that this variant is not damaging.

GeneDx
Classification: Uncertain significance. Last evaluated: 2017-05-19. Review status: criteria provided, single submitter. Criteria: GeneDx Variant Classification (06012015). Collection method: clinical testing. Allele origin: germline. Affected: yes.
Comment: The R2585W variant has not been published as a pathogenic variant, nor has it been reported as a benign variant to our knowledge. The R2585W variant is not observed in large population cohorts (Lek et al., 2016; 1000 Genomes Consortium et al., 2015; Exome Variant Server). The R2585W variant is a non-conservative amino acid substitution, which is likely to impact secondary protein structure as these residues differ in polarity, charge, size and/or other properties. This substitution occurs at a position that is conserved across species. However, in silico analysis is inconsistent in its predictions as to whether or not the variant is damaging to the protein structure/function. Therefore, based on the currently available information, it is unclear whether this variant is a pathogenic variant or a rare benign variant